The following is an entry in ClinVar:

ClinVar aggregate classification (germline): Uncertain significance (1 of 4 stars; one submission).

Submission:

Labcorp Genetics (formerly Invitae), Labcorp
Classification: Uncertain significance. Last evaluated: 2024-09-05. Review status: criteria provided, single submitter. Criteria: Invitae Variant Classification Sherloc (09022015). Collection method: clinical testing. Allele origin: germline.
Comment: This sequence change replaces isoleucine, which is neutral and non-polar, with phenylalanine, which is neutral and non-polar, at codon 94 of the CLTC protein (p.Ile94Phe). This variant is not present in population databases (gnomAD no frequency). This variant has not been reported in the literature in individuals affected with CLTC-related conditions. Invitae Evidence Modeling of protein sequence and biophysical properties (such as structural, functional, and spatial information, amino acid conservation, physicochemical variation, residue mobility, and thermodynamic stability) indicates that this missense variant is expected to disrupt CLTC protein function with a positive predictive value of 80%. In summary, the available evidence is currently insufficient to determine the role of this variant in disease. Therefore, it has been classified as a Variant of Uncertain Significance.

NM_004859.4(CLTC):c.268A>T (p.Ile90Phe)

Gene: CLTC (clathrin heavy chain; plus strand). Cytogenetic location: 17q23.1.
Variant type: single nucleotide variant.
Coding change: c.268A>T on transcript NM_004859.4 (MANE Select); coding-DNA position 268, A replaced by T.
Protein change: p.Ile90Phe; replaces isoleucine 90 with phenylalanine.
Molecular consequence: missense variant.
Genome position (GRCh38, 1-based): chr17:59,647,415, A>T. VCF-style: chr17-59647415-A-T. GRCh37 (hg19) VCF-style: chr17-57724776-A-T.
Other names: c.280A>T, p.Ile94Phe (NM_001288653.2); short protein forms I90F, I94F.
Identifiers: ClinVar variation 2699175 (VCV002699175.3), dbSNP rs2509361295, ClinGen allele CA400419440.